The following is an entry in ClinVar:

ClinVar aggregate classification (germline): Uncertain significance (1 of 4 stars; one submission).

Conditions:
Fanconi anemia (FA). Also called: Fanconi's anemia. Identifiers: Orphanet 84, MedGen C0015625, MeSH D005199, MONDO:0019391.

Allele frequency attached by ClinVar (database versions not stated): gnomAD exomes below 0.00001.

Submission:

Labcorp Genetics (formerly Invitae), Labcorp
Classification: Uncertain significance for Fanconi anemia. Last evaluated: 2020-05-13. Review status: criteria provided, single submitter. Criteria: Invitae Variant Classification Sherloc (09022015). Collection method: clinical testing. Allele origin: germline.
Comment: In summary, the available evidence is currently insufficient to determine the role of this variant in disease. Therefore, it has been classified as a Variant of Uncertain Significance. Algorithms developed to predict the effect of sequence changes on RNA splicing suggest that this variant may create or strengthen a splice site, but this prediction has not been confirmed by published transcriptional studies. Algorithms developed to predict the effect of missense changes on protein structure and function are either unavailable or do not agree on the potential impact of this missense change (SIFT: "Deleterious"; PolyPhen-2: "Probably Damaging"; Align-GVGD: "Class C0"). This variant has not been reported in the literature in individuals with FANCI-related conditions. This variant is not present in population databases (ExAC no frequency). This sequence change replaces aspartic acid with glycine at codon 1021 of the FANCI protein (p.Asp1021Gly). The aspartic acid residue is highly conserved and there is a moderate physicochemical difference between aspartic acid and glycine.

NM_001113378.2(FANCI):c.3062A>G (p.Asp1021Gly)

Gene: FANCI (FA complementation group I; plus strand). Cytogenetic location: 15q26.1.
Variant type: single nucleotide variant.
Coding change: c.3062A>G on transcript NM_001113378.2 (MANE Select); coding-DNA position 3062, A replaced by G.
Protein change: p.Asp1021Gly; replaces aspartic acid 1021 with glycine.
Molecular consequence: missense variant.
Genome position (GRCh38, 1-based): chr15:89,305,118, A>G. VCF-style: chr15-89305118-A-G. GRCh37 (hg19) VCF-style: chr15-89848349-A-G.
Other names: c.2783A>G, p.Asp928Gly (NM_001376910.1); c.3062A>G, p.Asp1021Gly (NM_001376911.1); c.2882A>G, p.Asp961Gly (NM_018193.3); short protein forms D961G, D928G, D1021G.
Identifiers: ClinVar variation 1039686 (VCV001039686.8), dbSNP rs1290229004, ClinGen allele CA393738961.